The following is an entry in ClinVar:

NM_003998.4(NFKB1):c.1129G>A (p.Gly377Ser)

Gene: NFKB1 (nuclear factor kappa B subunit 1; plus strand). Cytogenetic location: 4q24.
Variant type: single nucleotide variant.
Coding change: c.1129G>A on transcript NM_003998.4 (MANE Select); coding-DNA position 1129, G replaced by A.
Protein change: p.Gly377Ser; replaces glycine 377 with serine.
Molecular consequence: missense variant.
Genome position (GRCh38, 1-based): chr4:102,593,487, G>A. VCF-style: chr4-102593487-G-A. GRCh37 (hg19) VCF-style: chr4-103514644-G-A.
Other names: c.1126G>A, p.Gly376Ser (NM_001165412.2, NM_001319226.2, NM_001382627.1); c.1129G>A, p.Gly377Ser (NM_001382625.1, NM_001382626.1); c.1087G>A, p.Gly363Ser (NM_001382628.1); short protein forms G377S, G376S, G363S.
Identifiers: ClinVar variation 1407832 (VCV001407832.9), dbSNP rs1024890793, ClinGen allele CA102680485.

ClinVar aggregate classification (germline): Uncertain significance (1 of 4 stars; one submission).

Allele frequency attached by ClinVar (database versions not stated): gnomAD exomes 0.00001 and 0.00004; gnomAD 0.00003 and 0.00004; TOPMed 0.00003.
gnomAD v4.1: 69 of 1,613,650 alleles (0.0043%); highest among the groups gnomAD compares: Non-Finnish European, 0.005%; no homozygotes.

Submission:

Labcorp Genetics (formerly Invitae), Labcorp
Classification: Uncertain significance. Last evaluated: 2025-02-03. Review status: criteria provided, single submitter. Criteria: Invitae Variant Classification Sherloc (09022015). Collection method: clinical testing. Allele origin: germline.
Comment: This sequence change replaces glycine, which is neutral and non-polar, with serine, which is neutral and polar, at codon 377 of the NFKB1 protein (p.Gly377Ser). This variant is present in population databases (no rsID available, gnomAD 0.006%). This variant has not been reported in the literature in individuals affected with NFKB1-related conditions. ClinVar contains an entry for this variant (Variation ID: 1407832). Invitae Evidence Modeling of protein sequence and biophysical properties (such as structural, functional, and spatial information, amino acid conservation, physicochemical variation, residue mobility, and thermodynamic stability) indicates that this missense variant is not expected to disrupt NFKB1 protein function with a negative predictive value of 80%. Experimental studies have shown that this missense change does not substantially affect NFKB1 function (PMID: 36105815). In summary, the available evidence is currently insufficient to determine the role of this variant in disease. Therefore, it has been classified as a Variant of Uncertain Significance.

Literature cited by the submitters: PubMed 36105815.